The following is an entry in ClinVar:

NM_033026.6(PCLO):c.11195T>C (p.Ile3732Thr)

Gene: PCLO (piccolo presynaptic cytomatrix protein; minus strand). Cytogenetic location: 7q21.11.
Variant type: single nucleotide variant.
Coding change: c.11195T>C on transcript NM_033026.6 (MANE Select); coding-DNA position 11195, T replaced by C.
Protein change: p.Ile3732Thr; replaces isoleucine 3732 with threonine.
Molecular consequence: missense variant.
Genome position (GRCh38, 1-based): chr7:82,916,791, A>G on the plus strand (T>C on the coding strand, the complement: PCLO is on the minus strand). VCF-style: chr7-82916791-A-G. GRCh37 (hg19) VCF-style: chr7-82546107-A-G.
Other names: c.11195T>C, p.Ile3732Thr (NM_014510.3); short protein forms I3732T.
Identifiers: ClinVar variation 1482087 (VCV001482087.4), dbSNP rs756565733, ClinGen allele CA4319596.

ClinVar aggregate classification (germline): Uncertain significance (1 of 4 stars; one submission).

Allele frequency attached by ClinVar (database versions not stated): gnomAD 0.00001; TOPMed 0.00001; ExAC 0.00002; gnomAD exomes 0.00004.
gnomAD v4.1: 28 of 1,613,466 alleles (0.0017%); highest among the groups gnomAD compares: Non-Finnish European, 0.0023%; no homozygotes.

Submission:

Labcorp Genetics (formerly Invitae), Labcorp
Classification: Uncertain significance. Last evaluated: 2025-04-23. Review status: criteria provided, single submitter. Criteria: Invitae Variant Classification Sherloc (09022015). Collection method: clinical testing. Allele origin: germline.
Comment: This sequence change replaces isoleucine, which is neutral and non-polar, with threonine, which is neutral and polar, at codon 3732 of the PCLO protein (p.Ile3732Thr). This variant is present in population databases (rs756565733, gnomAD 0.006%). This variant has not been reported in the literature in individuals affected with PCLO-related conditions. ClinVar contains an entry for this variant (Variation ID: 1482087). An algorithm developed to predict the effect of missense changes on protein structure and function outputs the following: PolyPhen-2: "Not Available". The threonine amino acid residue is found in multiple mammalian species, which suggests that this missense change does not adversely affect protein function. In summary, the available evidence is currently insufficient to determine the role of this variant in disease. Therefore, it has been classified as a Variant of Uncertain Significance.